The following is an entry in ClinVar:

ClinVar aggregate classification (germline): Uncertain significance (1 of 4 stars; one submission).

Conditions:
Autosomal recessive limb-girdle muscular dystrophy type 2E (LGMDR4). Also called: MUSCULAR DYSTROPHY, LIMB-GIRDLE, AUTOSOMAL RECESSIVE 4. Identifiers: Orphanet 119, MedGen C1858593, MONDO:0011423, OMIM 604286. Disease mechanism: Affects gamma-sarcoglycan and also disrupts the integrity of the entire sarcoglycan complex..

Submission:

Labcorp Genetics (formerly Invitae), Labcorp
Classification: Uncertain significance for Autosomal recessive limb-girdle muscular dystrophy type 2E. Last evaluated: 2018-07-01. Review status: criteria provided, single submitter. Criteria: Invitae Variant Classification Sherloc (09022015). Collection method: clinical testing. Allele origin: germline.
Comment: This variant has not been reported in the literature in individuals with SGCB-related disease. This variant is not present in population databases (ExAC no frequency). This sequence change replaces threonine with alanine at codon 301 of the SGCB protein (p.Thr301Ala). The threonine residue is moderately conserved and there is a small physicochemical difference between threonine and alanine. Algorithms developed to predict the effect of missense changes on protein structure and function (SIFT, PolyPhen-2, Align-GVGD) all suggest that this variant is likely to be tolerated, but these predictions have not been confirmed by published functional studies and their clinical significance is uncertain. In summary, the available evidence is currently insufficient to determine the role of this variant in disease. Therefore, it has been classified as a Variant of Uncertain Significance.

NM_000232.5(SGCB):c.901A>G (p.Thr301Ala)

Gene: SGCB (sarcoglycan beta; minus strand). Cytogenetic location: 4q12.
Variant type: single nucleotide variant.
Coding change: c.901A>G on transcript NM_000232.5 (MANE Select); coding-DNA position 901, A replaced by G.
Protein change: p.Thr301Ala; replaces threonine 301 with alanine.
Molecular consequence: missense variant.
Genome position (GRCh38, 1-based): chr4:52,024,013, T>C on the plus strand (A>G on the coding strand, the complement: SGCB is on the minus strand). VCF-style: chr4-52024013-T-C. GRCh37 (hg19) VCF-style: chr4-52890179-T-C.
Other names: short protein forms T301A.
Identifiers: ClinVar variation 661396 (VCV000661396.9), dbSNP rs1578123128, ClinGen allele CA356875017.